The following is an entry in ClinVar:

ClinVar aggregate classification (germline): Benign/Likely benign. Review status: criteria provided, multiple submitters, no conflicts (2 of 4 stars). 6 submissions from 6 submitters: Benign (1); Likely benign (4). 1 of the submissions does not count toward it. Last evaluated 2026-01-18.

Conditions:
Joubert syndrome 23 (JBTS23). Identifiers: Orphanet 475, MedGen C4084822, MONDO:0014664, OMIM 616490.
Short-rib thoracic dysplasia 14 with polydactyly (SRTD14). Identifiers: Orphanet 397715, MedGen C4225286, MONDO:0014688, OMIM 616546.
KIAA0586-related disorder. Also called: KIAA0586-related condition; KIAA0586- Related disorders.

Allele frequency attached by ClinVar (database versions not stated): TOPMed 0.00240; gnomAD 0.00250 and 0.00272; ESP Exome Variant Server 0.00275; 1000 Genomes Project 0.00519; 1000 Genomes Project 30x 0.00531.
gnomAD v4.1: 831 of 1,613,604 alleles (0.051%); highest among the groups gnomAD compares: African/African-American, 0.89%; 7 homozygotes.

Submissions (6):

Labcorp Genetics (formerly Invitae), Labcorp
Classification: Benign for Joubert syndrome 23; Short-rib thoracic dysplasia 14 with polydactyly. Last evaluated: 2026-01-18. Review status: criteria provided, single submitter. Criteria: Invitae Variant Classification Sherloc (09022015). Collection method: clinical testing. Allele origin: germline.

GeneDx
Classification: Likely benign. Last evaluated: 2024-06-13. Review status: criteria provided, single submitter. Criteria: GeneDx Variant Classification Process June 2021. Collection method: clinical testing. Allele origin: germline. Affected: yes.
Comment: See Variant Classification Assertion Criteria.

CeGaT Center for Human Genetics Tuebingen
Classification: Likely benign. Last evaluated: 2023-12-01. Review status: criteria provided, single submitter. Criteria: CeGaT Center For Human Genetics Tuebingen Variant Classification Criteria Version 2. Collection method: clinical testing. Allele origin: germline. Affected: yes. Observed: 1 variant allele.
Comment: KIAA0586: BP4, BS2

Fulgent Genetics
Classification: Likely benign for Joubert syndrome 23; Short-rib thoracic dysplasia 14 with polydactyly. Last evaluated: 2021-07-06. Review status: criteria provided, single submitter. Criteria: ACMG Guidelines, 2015. Collection method: clinical testing. Allele origin: unknown.

Breakthrough Genomics
Classification: Likely benign. Review status: criteria provided, single submitter. Criteria: ACMG Guidelines, 2015. Collection method: not provided. Allele origin: germline. Inheritance: Autosomal recessive inheritance. Affected: yes.

PreventionGenetics, part of Exact Sciences
Classification: Benign for KIAA0586-related condition. Last evaluated: 2019-08-28. Review status: no assertion criteria provided. Collection method: clinical testing. Allele origin: germline. Not counted in ClinVar's aggregate classification.
Comment: This variant is classified as benign based on ACMG/AMP sequence variant interpretation guidelines (Richards et al. 2015 PMID: 25741868, with internal and published modifications).

NM_001329943.3(KIAA0586):c.4629G>A (p.Ser1543=)

Gene: KIAA0586 (KIAA0586; plus strand). Cytogenetic location: 14q23.1.
Variant type: single nucleotide variant.
Coding change: c.4629G>A on transcript NM_001329943.3 (MANE Select); coding-DNA position 4629, G replaced by A.
Protein change: p.Ser1543=; no amino-acid change (serine 1543 retained).
Molecular consequence: synonymous variant. On other transcripts: missense variant (2).
Genome position (GRCh38, 1-based): chr14:58,547,914, G>A. VCF-style: chr14-58547914-G-A. GRCh37 (hg19) VCF-style: chr14-59014632-G-A.
Other names: c.4873G>A, p.Gly1625Arg (NM_001244189.2); c.4584G>A, p.Ser1528= (NM_001244190.2); c.4374G>A, p.Ser1458= (NM_001244191.2, NM_001364701.2); c.4497G>A, p.Ser1499= (NM_001244192.2, NM_001329947.2); c.4714G>A, p.Gly1572Arg (NM_001329944.2); c.4308G>A, p.Ser1436= (NM_001329945.2); c.4563G>A, p.Ser1521= (NM_001329946.2); c.4401G>A, p.Ser1467= (NM_014749.5); short protein forms G1572R, G1625R.
Identifiers: ClinVar variation 707236 (VCV000707236.39), dbSNP rs61745066, ClinGen allele CA7206459.
Genomic context (GRCh38, chr14:58,547,914, plus strand): 5'-CCTCGAGGACTGCTCTCAGTCTCTGAGTCTCAGCACAATGCAGGAGGACATGGAGTCTTC[G>A]GGGGCAGATACCTTCTGAACGGGAAGAGACAGCCAGCACAGTGTTTATGCCACTGGTTTT-3'
Protein context (NP_001316872.1, residues 1533-1548): LSTMQEDMES[Ser1543=]GADTF